The following is an entry in ClinVar:

NM_012123.4(MTO1):c.868A>G (p.Arg290Gly)

Gene: MTO1 (mitochondrial tRNA translation optimization 1; plus strand). Cytogenetic location: 6q13.
Variant type: single nucleotide variant.
Coding change: c.868A>G on transcript NM_012123.4 (MANE Select); coding-DNA position 868, A replaced by G.
Protein change: p.Arg290Gly; replaces arginine 290 with glycine.
Molecular consequence: missense variant.
Genome position (GRCh38, 1-based): chr6:73,479,774, A>G. VCF-style: chr6-73479774-A-G. GRCh37 (hg19) VCF-style: chr6-74189497-A-G.
Other names: c.868A>G, p.Arg290Gly (NM_001123226.2, NM_133645.3); c.868A>G (NM_001123226.1); short protein forms R290G.
Identifiers: ClinVar variation 851199 (VCV000851199.8), dbSNP rs573039001, ClinGen allele CA3889467.

ClinVar aggregate classification (germline): Uncertain significance. Review status: criteria provided, multiple submitters, no conflicts (2 of 4 stars). 4 submissions from 4 submitters: Uncertain significance (4). Last evaluated 2026-09-18.

Conditions:
MTO1-related disorder. Also called: MTO1-related condition.
Mitochondrial hypertrophic cardiomyopathy with lactic acidosis due to MTO1 deficiency. Also called: CARDIOMYOPATHY, INFANTILE HYPERTROPHIC MITOCHONDRIAL, AND LACTIC ACIDOSIS; Combined oxidative phosphorylation deficiency 10. Identifiers: Orphanet 314637, MedGen C4749921, MONDO:0013865, OMIM 614702.
Inborn genetic diseases. Identifiers: MedGen C0950123, MeSH D030342.

Allele frequency attached by ClinVar (database versions not stated): gnomAD exomes 0.00001 and 0.00003; ExAC 0.00003; gnomAD 0.00009 and 0.00011; TOPMed 0.00011; 1000 Genomes Project 30x 0.00016; 1000 Genomes Project 0.00020.
gnomAD v4.1: 24 of 1,613,976 alleles (0.0015%); highest among the groups gnomAD compares: African/African-American, 0.031%; no homozygotes.

Submissions (4):

PreventionGenetics, part of Exact Sciences
Classification: Uncertain significance for MTO1-related condition. Last evaluated: 2026-09-18. Review status: criteria provided, single submitter. Criteria: ACMG Guidelines, 2015. Collection method: clinical testing. Allele origin: germline.
Comment: The MTO1 c.868A>G variant is predicted to result in the amino acid substitution p.Arg290Gly. To our knowledge, this variant has not been reported in the literature. This variant is reported in 0.036% of alleles in individuals of African descent in gnomAD. At this time, the clinical significance of this variant is uncertain due to the absence of conclusive functional and genetic evidence.

Ambry Genetics
Classification: Uncertain significance for Inborn genetic diseases. Last evaluated: 2024-07-03. Review status: criteria provided, single submitter. Criteria: Ambry Variant Classification Scheme 2023. Collection method: clinical testing. Allele origin: germline.

GeneDx
Classification: Uncertain significance. Last evaluated: 2022-08-01. Review status: criteria provided, single submitter. Criteria: GeneDx Variant Classification Process June 2021. Collection method: clinical testing. Allele origin: germline. Affected: yes.
Comment: In silico analysis supports that this missense variant does not alter protein structure/function; Has not been previously published as pathogenic or benign to our knowledge

Labcorp Genetics (formerly Invitae), Labcorp
Classification: Uncertain significance for Mitochondrial hypertrophic cardiomyopathy with lactic acidosis due to MTO1 deficiency. Last evaluated: 2022-06-18. Review status: criteria provided, single submitter. Criteria: Invitae Variant Classification Sherloc (09022015). Collection method: clinical testing. Allele origin: germline.
Comment: This sequence change replaces arginine, which is basic and polar, with glycine, which is neutral and non-polar, at codon 290 of the MTO1 protein (p.Arg290Gly). This variant is present in population databases (rs573039001, gnomAD 0.04%). This variant has not been reported in the literature in individuals affected with MTO1-related conditions. ClinVar contains an entry for this variant (Variation ID: 851199). Algorithms developed to predict the effect of missense changes on protein structure and function are either unavailable or do not agree on the potential impact of this missense change (SIFT: "Deleterious"; PolyPhen-2: "Benign"; Align-GVGD: "Class C0"). In summary, the available evidence is currently insufficient to determine the role of this variant in disease. Therefore, it has been classified as a Variant of Uncertain Significance.